The following is an entry in ClinVar:

NM_152594.3(SPRED1):c.*633A>G

Gene: SPRED1 (sprouty related EVH1 domain containing 1; plus strand). Cytogenetic location: 15q14.
Variant type: single nucleotide variant.
Coding change: c.*633A>G on transcript NM_152594.3 (MANE Select); 633 bases downstream of the stop codon, A replaced by G.
Molecular consequence: 3 prime UTR variant.
Genome position (GRCh38, 1-based): chr15:38,352,297, A>G. VCF-style: chr15-38352297-A-G. GRCh37 (hg19) VCF-style: chr15-38644498-A-G.
Identifiers: ClinVar variation 887147 (VCV000887147.4), dbSNP rs118146919, ClinGen allele CA269293533.
Genomic context (GRCh38, chr15:38,352,297, plus strand): 5'-AGTAGATATATATATATATATATCTACTGTCACATTCCATATATTTTGAATATTTAACTC[A>G]TCTAGTTAATAATGTTTTTATTCCATGCGAATGATTTGATATTTTCATCCTTATTTCTCT-3'

ClinVar aggregate classification (germline): Likely benign (1 of 4 stars; one submission).

Conditions:
Legius syndrome. Identifiers: Orphanet 137605, MedGen C1969623, MONDO:0012669, OMIM 611431. Disease mechanism: loss of function.

Allele frequency attached by ClinVar (database versions not stated): gnomAD 0.00037 and 0.00048; 1000 Genomes Project 0.00040; TOPMed 0.00070; 1000 Genomes Project 30x 0.00125.
gnomAD v4.1: 72 of 152,356 alleles (0.047%); highest among the groups gnomAD compares: East Asian, 1.4%; no homozygotes.

Submission:

Illumina Laboratory Services, Illumina
Classification: Likely benign for Legius syndrome. Last evaluated: 2018-01-12. Review status: criteria provided, single submitter. Criteria: ICSL Variant Classification Criteria 13 December 2019. Collection method: clinical testing. Allele origin: germline.
Comment: This variant was observed in the ICSL laboratory as part of a predisposition screen in an ostensibly healthy population. It had not been previously curated by ICSL or reported in the Human Gene Mutation Database (HGMD: prior to June 1st, 2018), and was therefore a candidate for classification through an automated scoring system. Utilizing variant allele frequency, disease prevalence and penetrance estimates, and inheritance mode, an automated score was calculated to assess if this variant is too frequent to cause the disease. Based on the score and internal cut-off values, a variant classified as likely benign is not then subjected to further curation. The score for this variant resulted in a classification of likely benign for this disease.